The following is an entry in ClinVar:

ClinVar aggregate classification (germline): Uncertain significance. Review status: criteria provided, multiple submitters, no conflicts (2 of 4 stars). 3 submissions from 3 submitters: Uncertain significance (3). Last evaluated 2025-03-25.

Conditions:
Hereditary nonpolyposis colorectal neoplasms. Identifiers: MedGen C0009405, MeSH D003123.
Hereditary cancer-predisposing syndrome. Also called: Hereditary Cancer Syndrome; Hereditary neoplastic syndrome; Neoplastic Syndromes, Hereditary; Tumor predisposition. Identifiers: Orphanet 140162, MedGen C0027672, MeSH D009386, MONDO:0015356.
Endometrial carcinoma. Also called: Endometrial carcinoma, somatic. Identifiers: MedGen C0476089, MONDO:0002447, OMIM 608089, HP:0012114.

Submissions (3):

Ambry Genetics
Classification: Uncertain significance for Hereditary cancer-predisposing syndrome. Last evaluated: 2025-03-25. Review status: criteria provided, single submitter. Criteria: Ambry Variant Classification Scheme 2023. Collection method: clinical testing. Allele origin: germline.
Comment: The p.V294D variant (also known as c.881T>A), located in coding exon 4 of the MSH6 gene, results from a T to A substitution at nucleotide position 881. The valine at codon 294 is replaced by aspartic acid, an amino acid with highly dissimilar properties. This amino acid position is not well conserved in available vertebrate species. In addition, the in silico prediction for this alteration is inconclusive. Based on the available evidence, the clinical significance of this variant remains unclear.

Baylor Genetics
Classification: Uncertain significance for Endometrial carcinoma. Last evaluated: 2023-12-29. Review status: criteria provided, single submitter. Criteria: ACMG Guidelines, 2015. Collection method: clinical testing. Allele origin: unknown.

Labcorp Genetics (formerly Invitae), Labcorp
Classification: Uncertain significance for Hereditary nonpolyposis colorectal neoplasms. Last evaluated: 2021-11-15. Review status: criteria provided, single submitter. Criteria: Invitae Variant Classification Sherloc (09022015). Collection method: clinical testing. Allele origin: germline.
Comment: This variant is not present in population databases (gnomAD no frequency). In summary, the available evidence is currently insufficient to determine the role of this variant in disease. Therefore, it has been classified as a Variant of Uncertain Significance. Advanced modeling of protein sequence and biophysical properties (such as structural, functional, and spatial information, amino acid conservation, physicochemical variation, residue mobility, and thermodynamic stability) performed at Invitae indicates that this missense variant is not expected to disrupt MSH6 protein function. ClinVar contains an entry for this variant (Variation ID: 455355). This variant has not been reported in the literature in individuals affected with MSH6-related conditions. This sequence change replaces valine, which is neutral and non-polar, with aspartic acid, which is acidic and polar, at codon 294 of the MSH6 protein (p.Val294Asp).

NM_000179.3(MSH6):c.881T>A (p.Val294Asp)

Gene: MSH6 (mutS homolog 6; plus strand). Cytogenetic location: 2p16.3.
Variant type: single nucleotide variant.
Coding change: c.881T>A on transcript NM_000179.3 (MANE Select); coding-DNA position 881, T replaced by A.
Protein change: p.Val294Asp; replaces valine 294 with aspartic acid.
Molecular consequence: missense variant. On other transcripts: 5 prime UTR variant (2).
Genome position (GRCh38, 1-based): chr2:47,798,864, T>A. VCF-style: chr2-47798864-T-A. GRCh37 (hg19) VCF-style: chr2-48026003-T-A.
Other names: c.491T>A, p.Val164Asp (NM_001281492.2); c.-26T>A (NM_001281493.2, NM_001281494.2); short protein forms V294D, V164D.
Identifiers: ClinVar variation 455355 (VCV000455355.13), dbSNP rs1482153450, ClinGen allele CA346740670.
Genomic context (GRCh38, chr2:47,798,864, plus strand): 5'-GCAGTGATGAAATAAGCAGTGGAGTGGGGGATAGTGAGAGTGAAGGCCTGAACAGCCCTG[T>A]CAAAGTTGCTCGAAAGCGGAAGAGAATGGTGACTGGAAATGGCTCTCTTAAAAGGAAAAG-3'
Protein context (NP_000170.1, residues 284-304): DSESEGLNSP[Val294Asp]KVARKRKRMV